The following is an entry in ClinVar:

ClinVar aggregate classification (germline): Uncertain significance. Review status: criteria provided, multiple submitters, no conflicts (2 of 4 stars). 3 submissions from 3 submitters: Uncertain significance (3). Last evaluated 2025-12-22.

Conditions:
Hereditary cancer-predisposing syndrome. Also called: Hereditary Cancer Syndrome; Tumor predisposition; Hereditary neoplastic syndrome; Neoplastic Syndromes, Hereditary. Identifiers: Orphanet 140162, MedGen C0027672, MeSH D009386, MONDO:0015356.
Hereditary nonpolyposis colorectal neoplasms. Identifiers: MedGen C0009405, MeSH D003123.

Allele frequency attached by ClinVar (database versions not stated): gnomAD exomes below 0.00001.
gnomAD v4.1: 1 of 1,594,950 alleles (0.000063%); highest among the groups gnomAD compares: Non-Finnish European, 0.000086%; no homozygotes.

Submissions (3):

Labcorp Genetics (formerly Invitae), Labcorp
Classification: Uncertain significance for Hereditary nonpolyposis colorectal neoplasms. Last evaluated: 2025-12-22. Review status: criteria provided, single submitter. Criteria: Invitae Variant Classification Sherloc (09022015). Collection method: clinical testing. Allele origin: germline.
Comment: This sequence change replaces aspartic acid, which is acidic and polar, with glycine, which is neutral and non-polar, at codon 694 of the PMS2 protein (p.Asp694Gly). The frequency data for this variant in the population databases (gnomAD) is considered unreliable due to the presence of homologous sequence, such as pseudogenes or paralogs, in the genome. This missense change has been observed in individual(s) with clinical features of PMS2-related conditions (PMID: 21520333). ClinVar contains an entry for this variant (Variation ID: 1040266). Invitae Evidence Modeling incorporating data from in vitro experimental studies (internal data) indicates that this missense variant is not expected to disrupt PMS2 function with a negative predictive value of 95%. In summary, the available evidence is currently insufficient to determine the role of this variant in disease. Therefore, it has been classified as a Variant of Uncertain Significance.

Color Diagnostics, LLC DBA Color Health
Classification: Uncertain significance for Hereditary cancer-predisposing syndrome. Last evaluated: 2025-02-10. Review status: criteria provided, single submitter. Criteria: ACMG Guidelines, 2015. Collection method: clinical testing. Allele origin: germline.
Comment: This missense variant replaces aspartic acid with glycine at codon 694 of the PMS2 protein. Computational prediction suggests that this variant may have deleterious impact on protein structure and function (internally defined REVEL score threshold >= 0.7, PMID: 27666373). To our knowledge, functional studies have not been reported for this variant. This variant has not been reported in individuals affected with PMS2-related disorders in the literature. This variant has not been identified in the general population by the Genome Aggregation Database (gnomAD). The available evidence is insufficient to determine the role of this variant in disease conclusively. Therefore, this variant is classified as a Variant of Uncertain Significance.

Ambry Genetics
Classification: Uncertain significance for Hereditary cancer-predisposing syndrome. Last evaluated: 2023-10-27. Review status: criteria provided, single submitter. Criteria: Ambry Variant Classification Scheme 2023. Collection method: clinical testing. Allele origin: germline.
Comment: The p.D694G variant (also known as c.2081A>G), located in coding exon 12 of the PMS2 gene, results from an A to G substitution at nucleotide position 2081. The aspartic acid at codon 694 is replaced by glycine, an amino acid with similar properties. This amino acid position is highly conserved in available vertebrate species. In addition, this alteration is predicted to be deleterious by in silico analysis. Since supporting evidence is limited at this time, the clinical significance of this alteration remains unclear.

Literature cited by the submitters: PubMed 21520333 (cited by Labcorp Genetics (formerly Invitae), Labcorp).

NM_000535.7(PMS2):c.2081A>G (p.Asp694Gly)

Gene: PMS2 (PMS1 homolog 2, mismatch repair system component; minus strand). Cytogenetic location: 7p22.1.
Variant type: single nucleotide variant.
Coding change: c.2081A>G on transcript NM_000535.7 (MANE Select); coding-DNA position 2081, A replaced by G.
Protein change: p.Asp694Gly; replaces aspartic acid 694 with glycine.
Molecular consequence: missense variant. On other transcripts: non-coding transcript variant (1).
Genome position (GRCh38, 1-based): chr7:5,982,917, T>C on the plus strand (A>G on the coding strand, the complement: PMS2 is on the minus strand). VCF-style: chr7-5982917-T-C. GRCh37 (hg19) VCF-style: chr7-6022548-T-C.
Other names: c.1676A>G, p.Asp559Gly (NM_001322003.2, NM_001322004.2, NM_001322005.2 and 1 more transcripts); c.1925A>G, p.Asp642Gly (NM_001322006.2); c.1763A>G, p.Asp588Gly (NM_001322007.2, NM_001322008.2); c.1520A>G, p.Asp507Gly (NM_001322010.2); c.1148A>G, p.Asp383Gly (NM_001322011.2, NM_001322012.2); c.1508A>G, p.Asp503Gly (NM_001322013.2); c.2081A>G, p.Asp694Gly (NM_001322014.2); c.1772A>G, p.Asp591Gly (NM_001322015.2); short protein forms D383G, D642G, D503G, D507G, D591G, D694G, D588G, D559G.
Identifiers: ClinVar variation 1040266 (VCV001040266.12), dbSNP rs1554295876, ClinGen allele CA366738040.
Genomic context (GRCh38, chr7:5,982,917, plus strand): 5'-TGCTGCAGCATCTCGAAGTTATACTTCTCGTCCGTGGCATGCTGGTCCACTATGAAGATA[T>C]CCTCATTCAGTTTGGTTATTATAAATCCCAGGTTAAACTGACCAATGATTTCCATTTCTG-3'
Protein context (NP_000526.2, residues 684-704): LGFIITKLNE[Asp694Gly]IFIVDQHATD